The following is an entry in ClinVar:

ClinVar aggregate classification (germline): Uncertain significance. Review status: criteria provided, multiple submitters, no conflicts (2 of 4 stars). 2 submissions from 2 submitters: Uncertain significance (2). Last evaluated 2024-05-14.

Conditions:
Hereditary cancer-predisposing syndrome. Also called: Tumor predisposition; Hereditary Cancer Syndrome; Hereditary neoplastic syndrome; Neoplastic Syndromes, Hereditary. Identifiers: Orphanet 140162, MedGen C0027672, MeSH D009386, MONDO:0015356.
Hereditary nonpolyposis colorectal neoplasms. Identifiers: MedGen C0009405, MeSH D003123.

Submissions (2):

Ambry Genetics
Classification: Uncertain significance for Hereditary cancer-predisposing syndrome. Last evaluated: 2024-05-14. Review status: criteria provided, single submitter. Criteria: Ambry Variant Classification Scheme 2023. Collection method: clinical testing. Allele origin: germline.
Comment: The p.Q698R variant (also known as c.2093A>G), located in coding exon 4 of the MSH6 gene, results from an A to G substitution at nucleotide position 2093. The glutamine at codon 698 is replaced by arginine, an amino acid with highly similar properties. This amino acid position is well conserved in available vertebrate species. In addition, the in silico prediction for this alteration is inconclusive. Based on the available evidence, the clinical significance of this variant remains unclear.

Labcorp Genetics (formerly Invitae), Labcorp
Classification: Uncertain significance for Hereditary nonpolyposis colorectal neoplasms. Last evaluated: 2021-01-14. Review status: criteria provided, single submitter. Criteria: Invitae Variant Classification Sherloc (09022015). Collection method: clinical testing. Allele origin: germline.
Comment: This variant has not been reported in the literature in individuals with MSH6-related conditions. ClinVar contains an entry for this variant (Variation ID: 485863). This sequence change replaces glutamine with arginine at codon 698 of the MSH6 protein (p.Gln698Arg). The glutamine residue is moderately conserved and there is a small physicochemical difference between glutamine and arginine. This variant is not present in population databases (ExAC no frequency). Advanced modeling of protein sequence and biophysical properties (such as structural, functional, and spatial information, amino acid conservation, physicochemical variation, residue mobility, and thermodynamic stability) performed at Invitae indicates that this missense variant is not expected to disrupt MSH6 protein function. In summary, the available evidence is currently insufficient to determine the role of this variant in disease. Therefore, it has been classified as a Variant of Uncertain Significance.

NM_000179.3(MSH6):c.2093A>G (p.Gln698Arg)

Gene: MSH6 (mutS homolog 6; plus strand). Cytogenetic location: 2p16.3.
Variant type: single nucleotide variant.
Coding change: c.2093A>G on transcript NM_000179.3 (MANE Select); coding-DNA position 2093, A replaced by G.
Protein change: p.Gln698Arg; replaces glutamine 698 with arginine.
Molecular consequence: missense variant.
Genome position (GRCh38, 1-based): chr2:47,800,076, A>G. VCF-style: chr2-47800076-A-G. GRCh37 (hg19) VCF-style: chr2-48027215-A-G.
Other names: c.1703A>G, p.Gln568Arg (NM_001281492.2); c.1187A>G, p.Gln396Arg (NM_001281493.2, NM_001281494.2); short protein forms Q698R, Q568R, Q396R.
Identifiers: ClinVar variation 485863 (VCV000485863.14), dbSNP rs1553413465, ClinGen allele CA346750872.
Genomic context (GRCh38, chr2:47,800,076, plus strand): 5'-AATTGGCCCTCTCTGCTCTAGGTGGTTGTGTCTTCTACCTCAAAAAATGCCTTATTGATC[A>G]GGAGCTTTTATCAATGGCTAATTTTGAAGAATATATTCCCTTGGATTCTGACACAGTCAG-3'
Protein context (NP_000170.1, residues 688-708): VFYLKKCLID[Gln698Arg]ELLSMANFEE